The following is an entry in ClinVar:

NM_021828.5(HPSE2):c.130A>G (p.Arg44Gly)

Gene: HPSE2 (heparanase 2 (inactive); minus strand). Cytogenetic location: 10q24.2.
Variant type: single nucleotide variant.
Coding change: c.130A>G on transcript NM_021828.5 (MANE Select); coding-DNA position 130, A replaced by G.
Protein change: p.Arg44Gly; replaces arginine 44 with glycine.
Molecular consequence: missense variant.
Genome position (GRCh38, 1-based): chr10:99,235,673, T>C on the plus strand (A>G on the coding strand, the complement: HPSE2 is on the minus strand). VCF-style: chr10-99235673-T-C. GRCh37 (hg19) VCF-style: chr10-100995430-T-C.
Other names: c.130A>G, p.Arg44Gly (NM_001166244.1, NM_001166245.1, NM_001166246.1); short protein forms R44G.
Identifiers: ClinVar variation 1895997 (VCV001895997.5), dbSNP rs777269780, ClinGen allele CA5640066.

ClinVar aggregate classification (germline): Uncertain significance (1 of 4 stars; one submission).

Allele frequency attached by ClinVar (database versions not stated): ExAC 0.00001; gnomAD 0.00001; TOPMed 0.00001.
gnomAD v4.1: 6 of 1,613,906 alleles (0.00037%); highest among the groups gnomAD compares: Middle Eastern, 0.016%; no homozygotes.

Submission:

Labcorp Genetics (formerly Invitae), Labcorp
Classification: Uncertain significance. Last evaluated: 2022-05-05. Review status: criteria provided, single submitter. Criteria: Invitae Variant Classification Sherloc (09022015). Collection method: clinical testing. Allele origin: germline.
Comment: In summary, the available evidence is currently insufficient to determine the role of this variant in disease. Therefore, it has been classified as a Variant of Uncertain Significance. Algorithms developed to predict the effect of missense changes on protein structure and function are either unavailable or do not agree on the potential impact of this missense change (SIFT: "Deleterious"; PolyPhen-2: "Benign"; Align-GVGD: "Class C0"). This variant has not been reported in the literature in individuals affected with HPSE2-related conditions. This variant is present in population databases (rs777269780, gnomAD 0.003%). This sequence change replaces arginine, which is basic and polar, with glycine, which is neutral and non-polar, at codon 44 of the HPSE2 protein (p.Arg44Gly).